The following is an entry in ClinVar:

NC_000001.11:g.(?_235662920)_(235782107_?)del

Gene: LYST (lysosomal trafficking regulator; minus strand). Cytogenetic location: 1q42.3.
Variant type: Deletion.
Identifiers: ClinVar variation 833103 (VCV000833103.7).

ClinVar aggregate classification (germline): Pathogenic (1 of 4 stars; one submission).

Conditions:
Chédiak-Higashi syndrome (CHS). Also called: Chediak-Higashi Syndrome. Identifiers: Orphanet 167, MedGen C0007965, MONDO:0008963, OMIM 214500.

Submission:

Labcorp Genetics (formerly Invitae), Labcorp
Classification: Pathogenic for Chédiak-Higashi syndrome. Last evaluated: 2021-04-23. Review status: criteria provided, single submitter. Criteria: Invitae Variant Classification Sherloc (09022015). Collection method: clinical testing. Allele origin: germline.
Comment: For these reasons, this variant has been classified as Pathogenic. This variant disrupts the C-terminus of the LYST protein. Other variant(s) that disrupt this region (Deletion of Exons 23-53) have been determined to be pathogenic (Invitae). This suggests that variants that disrupt this region of the protein are likely to be causative of disease. This variant has not been reported in the literature in individuals with LYST-related conditions. This variant is a gross deletion of the genomic region encompassing exon(s) 15-53 of the LYST gene. The 5' boundary is likely confined to intron 14. The 3' end of this event is unknown as it extends through the termination codon beyond the assayed region for this gene and may encompass additional genes. While this deletion is not anticipated to lead to nonsense mediated decay, it is expected to alter mRNA translation or result in a truncated protein product.